The following is an entry in ClinVar:

NM_002880.4(RAF1):c.791A>C (p.His264Pro)

Gene: RAF1 (Raf-1 proto-oncogene, serine/threonine kinase; minus strand). Cytogenetic location: 3p25.2.
Variant type: single nucleotide variant.
Coding change: c.791A>C on transcript NM_002880.4 (MANE Select); coding-DNA position 791, A replaced by C.
Protein change: p.His264Pro; replaces histidine 264 with proline.
Molecular consequence: missense variant. On other transcripts: non-coding transcript variant (3).
Genome position (GRCh38, 1-based): chr3:12,604,179, T>G on the plus strand (A>C on the coding strand, the complement: RAF1 is on the minus strand). VCF-style: chr3-12604179-T-G. GRCh37 (hg19) VCF-style: chr3-12645678-T-G.
Other names: c.791A>C, p.His264Pro (NM_001354689.3, NM_001354690.3); c.548A>C, p.His183Pro (NM_001354691.3, NM_001354692.3, NM_001354694.3); c.692A>C, p.His231Pro (NM_001354693.3); c.449A>C, p.His150Pro (NM_001354695.3); short protein forms H150P, H183P, H231P, H264P.
Identifiers: ClinVar variation 1706915 (VCV001706915.4), dbSNP rs1057517887, ClinGen allele CA351512292.

ClinVar aggregate classification (germline): Conflicting classifications of pathogenicity. Review status: criteria provided, conflicting classifications (1 of 4 stars). 2 submissions from 2 submitters: Likely pathogenic (1); Uncertain significance (1). Last evaluated 2025-08-10.

Conditions:
RASopathy. Also called: rasopathies; Noonan spectrum disorder. Identifiers: Orphanet 536391, MedGen C5555857, MONDO:0021060.

Submissions (2):

Labcorp Genetics (formerly Invitae), Labcorp
Classification: Uncertain significance for RASopathy. Last evaluated: 2025-08-10. Review status: criteria provided, single submitter. Criteria: Invitae Variant Classification Sherloc (09022015). Collection method: clinical testing. Allele origin: germline.
Comment: This sequence change replaces histidine, which is basic and polar, with proline, which is neutral and non-polar, at codon 264 of the RAF1 protein (p.His264Pro). This variant is not present in population databases (gnomAD no frequency). This variant has not been reported in the literature in individuals affected with RAF1-related conditions. ClinVar contains an entry for this variant (Variation ID: 1706915). Invitae Evidence Modeling of protein sequence and biophysical properties (such as structural, functional, and spatial information, amino acid conservation, physicochemical variation, residue mobility, and thermodynamic stability) indicates that this missense variant is expected to disrupt RAF1 protein function with a positive predictive value of 95%. In summary, the available evidence is currently insufficient to determine the role of this variant in disease. Therefore, it has been classified as a Variant of Uncertain Significance.

GeneDx
Classification: Likely pathogenic. Last evaluated: 2024-07-23. Review status: criteria provided, single submitter. Criteria: GeneDx Variant Classification Process June 2021. Collection method: clinical testing. Allele origin: germline. Affected: yes.
Comment: Has not been previously published as pathogenic or benign to our knowledge; Not observed at significant frequency in large population cohorts (gnomAD); Missense variants in this gene are a common cause of disease and they are underrepresented in the general population; In silico analysis supports that this missense variant has a deleterious effect on protein structure/function; This variant is associated with the following publications: (PMID: 24957944, 9689060, 15520807, 17603483, 17603482, 19020799, 29493581)